The following is an entry in ClinVar:

ClinVar aggregate classification (germline): Uncertain significance (1 of 4 stars; one submission).

Conditions:
Charcot-Marie-Tooth disease type 4. Also called: Charcot-Marie-Tooth disease, type IV; Charcot-Marie-Tooth, Type 4. Identifiers: Orphanet 64749, MedGen C4082197, MONDO:0018995.

Allele frequency attached by ClinVar (database versions not stated): gnomAD exomes below 0.00001; gnomAD 0.00001; TOPMed 0.00001.
gnomAD v4.1: 2 of 1,612,504 alleles (0.00012%); highest among the groups gnomAD compares: African/African-American, 0.0013%; no homozygotes.

Submission:

Labcorp Genetics (formerly Invitae), Labcorp
Classification: Uncertain significance for Charcot-Marie-Tooth disease type 4. Last evaluated: 2022-01-03. Review status: criteria provided, single submitter. Criteria: Invitae Variant Classification Sherloc (09022015). Collection method: clinical testing. Allele origin: germline.
Comment: In summary, the available evidence is currently insufficient to determine the role of this variant in disease. Therefore, it has been classified as a Variant of Uncertain Significance. Algorithms developed to predict the effect of missense changes on protein structure and function are either unavailable or do not agree on the potential impact of this missense change (SIFT: "Deleterious"; PolyPhen-2: "Benign"; Align-GVGD: "Class C0"). This variant has not been reported in the literature in individuals affected with FIG4-related conditions. This variant is present in population databases (no rsID available, gnomAD 0.007%). This sequence change replaces valine, which is neutral and non-polar, with alanine, which is neutral and non-polar, at codon 242 of the FIG4 protein (p.Val242Ala).

NM_014845.6(FIG4):c.725T>C (p.Val242Ala)

Gene: FIG4 (FIG4 phosphoinositide 5-phosphatase; plus strand). Cytogenetic location: 6q21.
Variant type: single nucleotide variant.
Coding change: c.725T>C on transcript NM_014845.6 (MANE Select); coding-DNA position 725, T replaced by C.
Protein change: p.Val242Ala; replaces valine 242 with alanine.
Molecular consequence: missense variant.
Genome position (GRCh38, 1-based): chr6:109,738,403, T>C. VCF-style: chr6-109738403-T-C. GRCh37 (hg19) VCF-style: chr6-110059606-T-C.
Other names: short protein forms V242A.
Identifiers: ClinVar variation 2153386 (VCV002153386.4), dbSNP rs1394499105, ClinGen allele CA365220664.